The following is an entry in ClinVar:

NM_001793.6(CDH3):c.656C>T (p.Thr219Ile)

Gene: CDH3 (cadherin 3; plus strand). Cytogenetic location: 16q22.1.
Variant type: single nucleotide variant.
Coding change: c.656C>T on transcript NM_001793.6 (MANE Select); coding-DNA position 656, C replaced by T.
Protein change: p.Thr219Ile; replaces threonine 219 with isoleucine.
Molecular consequence: missense variant.
Genome position (GRCh38, 1-based): chr16:68,678,871, C>T. VCF-style: chr16-68678871-C-T. GRCh37 (hg19) VCF-style: chr16-68712774-C-T.
Other names: c.656C>T, p.Thr219Ile (NM_001317195.3); c.491C>T, p.Thr164Ile (NM_001317196.2); short protein forms T164I, T219I.
Identifiers: ClinVar variation 1920083 (VCV001920083.5), dbSNP rs768894285, ClinGen allele CA396449710.

ClinVar aggregate classification (germline): Uncertain significance (1 of 4 stars; one submission).

Allele frequency attached by ClinVar (database versions not stated): TOPMed 0.00004.
gnomAD v4.1: 7 of 1,613,920 alleles (0.00043%); highest among the groups gnomAD compares: African/African-American, 0.008%; no homozygotes.

Submission:

Labcorp Genetics (formerly Invitae), Labcorp
Classification: Uncertain significance. Last evaluated: 2023-11-27. Review status: criteria provided, single submitter. Criteria: Invitae Variant Classification Sherloc (09022015). Collection method: clinical testing. Allele origin: germline.
Comment: This sequence change replaces threonine, which is neutral and polar, with isoleucine, which is neutral and non-polar, at codon 219 of the CDH3 protein (p.Thr219Ile). This variant is present in population databases (no rsID available, gnomAD 0.007%). This variant has not been reported in the literature in individuals affected with CDH3-related conditions. ClinVar contains an entry for this variant (Variation ID: 1920083). Advanced modeling of protein sequence and biophysical properties (such as structural, functional, and spatial information, amino acid conservation, physicochemical variation, residue mobility, and thermodynamic stability) performed at Invitae indicates that this missense variant is not expected to disrupt CDH3 protein function with a negative predictive value of 80%. In summary, the available evidence is currently insufficient to determine the role of this variant in disease. Therefore, it has been classified as a Variant of Uncertain Significance.